The following is an entry in ClinVar:

NM_007254.4(PNKP):c.1144C>G (p.Leu382Val)

Gene: PNKP (polynucleotide kinase 3'-phosphatase; minus strand). Cytogenetic location: 19q13.33.
Variant type: single nucleotide variant.
Coding change: c.1144C>G on transcript NM_007254.4 (MANE Select); coding-DNA position 1144, C replaced by G.
Protein change: p.Leu382Val; replaces leucine 382 with valine.
Molecular consequence: missense variant.
Genome position (GRCh38, 1-based): chr19:49,862,088, G>C on the plus strand (C>G on the coding strand, the complement: PNKP is on the minus strand). VCF-style: chr19-49862088-G-C. GRCh37 (hg19) VCF-style: chr19-50365345-G-C.
Other names: short protein forms L382V.
Identifiers: ClinVar variation 1434898 (VCV001434898.8), dbSNP rs754921430, ClinGen allele CA406879031.

ClinVar aggregate classification (germline): Uncertain significance (1 of 4 stars; one submission).

Conditions:
Developmental and epileptic encephalopathy, 12 (DEE12). Identifiers: MedGen C3150988, MONDO:0013389, OMIM 613722.

Allele frequency attached by ClinVar (database versions not stated): gnomAD exomes below 0.00001.
gnomAD v4.1: 2 of 1,614,196 alleles (0.00012%); highest among the groups gnomAD compares: Non-Finnish European, 0.00017%; no homozygotes.

Submission:

Labcorp Genetics (formerly Invitae), Labcorp
Classification: Uncertain significance for Developmental and epileptic encephalopathy, 12. Last evaluated: 2021-03-25. Review status: criteria provided, single submitter. Criteria: Invitae Variant Classification Sherloc (09022015). Collection method: clinical testing. Allele origin: germline.
Comment: In summary, the available evidence is currently insufficient to determine the role of this variant in disease. Therefore, it has been classified as a Variant of Uncertain Significance. Algorithms developed to predict the effect of missense changes on protein structure and function output the following: SIFT: "Tolerated"; PolyPhen-2: "Benign"; Align-GVGD: "Class C0". The valine amino acid residue is found in multiple mammalian species, suggesting that this missense change does not adversely affect protein function. These predictions have not been confirmed by published functional studies and their clinical significance is uncertain. This variant has not been reported in the literature in individuals with PNKP-related conditions. This variant is not present in population databases (ExAC no frequency). This sequence change replaces leucine with valine at codon 382 of the PNKP protein (p.Leu382Val). The leucine residue is moderately conserved and there is a small physicochemical difference between leucine and valine.